The following is an entry in ClinVar:

NC_000002.12:g.90115175C>A

Genes: IGK (immunoglobulin kappa locus), IGKV3D-15 (immunoglobulin kappa variable 3D-15; plus strand). Cytogenetic location: 2p11.2.
Variant type: single nucleotide variant.
Genome position: GRCh38 VCF-style: chr2-90115175-C-A. GRCh37 (hg19) VCF-style: chr2-90154033-C-A.
Identifiers: ClinVar variation 2651111 (VCV002651111.24), dbSNP rs780707382, ClinGen allele CA1767038.

ClinVar aggregate classification (germline): Likely benign (1 of 4 stars; one submission).

Allele frequency attached by ClinVar (database versions not stated): 1000 Genomes Project 30x 0.00031; gnomAD 0.00118; ExAC 0.00260.

Submission:

CeGaT Center for Human Genetics Tuebingen
Classification: Likely benign. Last evaluated: 2023-01-01. Review status: criteria provided, single submitter. Criteria: CeGaT Center For Human Genetics Tuebingen Variant Classification Criteria Version 2. Collection method: clinical testing. Allele origin: germline. Affected: yes. Observed: 1 variant allele.
Comment: IGKV2D-28: BS2